The following is an entry in ClinVar:

NM_031475.3(ESPN):c.2003C>T (p.Thr668Met)

Gene: ESPN (espin; plus strand). Cytogenetic location: 1p36.31.
Variant type: single nucleotide variant.
Coding change: c.2003C>T on transcript NM_031475.3 (MANE Select); coding-DNA position 2003, C replaced by T.
Protein change: p.Thr668Met; replaces threonine 668 with methionine.
Molecular consequence: missense variant.
Genome position (GRCh38, 1-based): chr1:6,451,690, C>T. VCF-style: chr1-6451690-C-T. GRCh37 (hg19) VCF-style: chr1-6511750-C-T.
Other names: c.1913C>T, p.Thr638Met (NM_001367473.1); c.1940C>T, p.Thr647Met (NM_001367474.1); short protein forms T638M, T647M, T668M.
Identifiers: ClinVar variation 1306964 (VCV001306964.5), dbSNP rs755317667, ClinGen allele CA560339.

ClinVar aggregate classification (germline): Uncertain significance. Review status: criteria provided, multiple submitters, no conflicts (2 of 4 stars). 2 submissions from 2 submitters: Uncertain significance (2). Last evaluated 2022-10-04.

Conditions:
Inborn genetic diseases. Identifiers: MedGen C0950123, MeSH D030342.

Allele frequency attached by ClinVar (database versions not stated): ExAC 0.00001; gnomAD exomes 0.00002 and 0.00003; gnomAD 0.00003; TOPMed 0.00003.

Submissions (2):

GeneDx
Classification: Uncertain significance. Last evaluated: 2022-10-04. Review status: criteria provided, single submitter. Criteria: GeneDx Variant Classification Process June 2021. Collection method: clinical testing. Allele origin: germline. Affected: yes.
Comment: In silico analysis, which includes protein predictors and evolutionary conservation, supports a deleterious effect; Has not been previously published as pathogenic or benign to our knowledge

Ambry Genetics
Classification: Uncertain significance for Inborn genetic diseases. Last evaluated: 2021-11-23. Review status: criteria provided, single submitter. Criteria: Ambry Variant Classification Scheme 2023. Collection method: clinical testing. Allele origin: germline.